The following is an entry in ClinVar:

NM_002458.3(MUC5B):c.12044C>A (p.Ser4015Tyr)

Genes: MUC5B (mucin 5B, oligomeric mucus/gel-forming; plus strand), MUC5B-AS1 (MUC5B antisense RNA 1; minus strand). Cytogenetic location: 11p15.5.
Variant type: single nucleotide variant.
Coding change: c.12044C>A on transcript NM_002458.3 (MANE Select); coding-DNA position 12044, C replaced by A.
Protein change: p.Ser4015Tyr; replaces serine 4015 with tyrosine.
Molecular consequence: missense variant.
Genome position (GRCh38, 1-based): chr11:1,248,924, C>A. VCF-style: chr11-1248924-C-A. GRCh37 (hg19) VCF-style: chr11-1270154-C-A.
Other names: short protein forms S4015Y.
Identifiers: ClinVar variation 4554312 (VCV004554312.5).

ClinVar aggregate classification (germline): Conflicting classifications of pathogenicity. Review status: criteria provided, conflicting classifications (1 of 4 stars). 2 submissions from 2 submitters: Uncertain significance (1); Likely benign (1). Last evaluated 2026-02-01.

Submissions (2):

CeGaT Center for Human Genetics Tuebingen
Classification: Likely benign. Last evaluated: 2026-02-01. Review status: criteria provided, single submitter. Criteria: CeGaT Center For Human Genetics Tuebingen Variant Classification Criteria Version 2. Collection method: clinical testing. Allele origin: germline. Affected: yes. Observed: 1 variant allele.
Comment: MUC5B: BP4

Ambry Genetics
Classification: Uncertain significance. Last evaluated: 2025-09-27. Review status: criteria provided, single submitter. Criteria: Ambry Variant Classification Scheme 2023. Collection method: clinical testing. Allele origin: germline.